The following is an entry in ClinVar:

NM_000138.5(FBN1):c.5471G>A (p.Cys1824Tyr)

Gene: FBN1 (fibrillin 1; minus strand). Cytogenetic location: 15q21.1.
Variant type: single nucleotide variant.
Coding change: c.5471G>A on transcript NM_000138.5 (MANE Select); coding-DNA position 5471, G replaced by A.
Protein change: p.Cys1824Tyr; replaces cysteine 1824 with tyrosine.
Molecular consequence: missense variant.
Genome position (GRCh38, 1-based): chr15:48,452,636, C>T on the plus strand (G>A on the coding strand, the complement: FBN1 is on the minus strand). VCF-style: chr15-48452636-C-T. GRCh37 (hg19) VCF-style: chr15-48744833-C-T.
Other names: short protein forms C1824Y.
Identifiers: ClinVar variation 660084 (VCV000660084.6), dbSNP rs1597537858, ClinGen allele CA392344298.

ClinVar aggregate classification (germline): Pathogenic (1 of 4 stars; one submission).

Conditions:
Familial thoracic aortic aneurysm and aortic dissection (TAAD). Also called: Thoracic aortic aneurysms and dissections. Identifiers: Orphanet 91387, MedGen C4707243, MONDO:0019625.
Marfan syndrome (MFS). Also called: FBN1-Related Marfan Syndrome; Marfan syndrome type 1; Marfan's syndrome; Marfan syndrome, classic; MARFAN SYNDROME, TYPE I. Identifiers: Orphanet 284963, Orphanet 558, MedGen C0024796, MONDO:0007947, OMIM 154700.

Allele frequency attached by ClinVar (database versions not stated): TOPMed below 0.00001; gnomAD 0.00001.
gnomAD v4.1: 1 of 1,614,022 alleles (0.000062%); highest among the groups gnomAD compares: Admixed American, 0.0017%; no homozygotes.

Submission:

Labcorp Genetics (formerly Invitae), Labcorp
Classification: Pathogenic for Marfan syndrome; Familial thoracic aortic aneurysm and aortic dissection. Last evaluated: 2023-04-09. Review status: criteria provided, single submitter. Criteria: Invitae Variant Classification Sherloc (09022015). Collection method: clinical testing. Allele origin: germline.
Comment: For these reasons, this variant has been classified as Pathogenic. This variant affects a cysteine residue in the EGF-like, TGFBP or hybrid motif domains of FBN1. Cysteine residues are believed to be involved in intramolecular disulfide bridges and have been shown to be important for FBN1 protein structure (PMID: 16905551, 19349279). In addition, missense substitutions affecting cysteine residues within these domains are significantly overrepresented among patients with Marfan syndrome (PMID: 16571647, 17701892). Advanced modeling of protein sequence and biophysical properties (such as structural, functional, and spatial information, amino acid conservation, physicochemical variation, residue mobility, and thermodynamic stability) performed at Invitae indicates that this missense variant is expected to disrupt FBN1 protein function. ClinVar contains an entry for this variant (Variation ID: 660084). This missense change has been observed in individual(s) with Marfan syndrome (PMID: 19293843). In at least one individual the variant was observed to be de novo. This variant is not present in population databases (gnomAD no frequency). This sequence change replaces cysteine, which is neutral and slightly polar, with tyrosine, which is neutral and polar, at codon 1824 of the FBN1 protein (p.Cys1824Tyr).

Literature cited by the submitters: PubMed 16905551; PubMed 19349279; PubMed 16571647; PubMed 17701892; PubMed 19293843.